The following is an entry in ClinVar:

NM_001001331.4(ATP2B2):c.1437C>T (p.Asn479=)

Gene: ATP2B2 (ATPase plasma membrane Ca2+ transporting 2; minus strand). Cytogenetic location: 3p25.3.
Variant type: single nucleotide variant.
Coding change: c.1437C>T on transcript NM_001001331.4 (MANE Select); coding-DNA position 1437, C replaced by T.
Protein change: p.Asn479=; no amino-acid change (asparagine 479 retained).
Molecular consequence: synonymous variant.
Genome position (GRCh38, 1-based): chr3:10,372,031, G>A on the plus strand (C>T on the coding strand, the complement: ATP2B2 is on the minus strand). VCF-style: chr3-10372031-G-A. GRCh37 (hg19) VCF-style: chr3-10413715-G-A.
Other names: p.Asn434=; c.1302C>T, p.Asn434= (NM_001330611.3, NM_001353564.1, NM_001363862.1 and 1 more transcripts).
Identifiers: ClinVar variation 1291136 (VCV001291136.12), dbSNP rs2289274, ClinGen allele CA2253656.

ClinVar aggregate classification (germline): Benign. Review status: criteria provided, multiple submitters, no conflicts (2 of 4 stars). 5 submissions from 5 submitters: Benign (4). 1 of the submissions does not count toward it. Last evaluated 2026-02-03.

Conditions:
Associated with severe COVID-19 disease.

Allele frequency attached by ClinVar (database versions not stated): gnomAD 0.26684 and 0.27068; 1000 Genomes Project 30x 0.27295; ESP Exome Variant Server 0.25788; ExAC 0.30520; gnomAD exomes 0.30598 and 0.30809; TOPMed 0.26688; 1000 Genomes Project 0.27696.
gnomAD v4.1: 488,570 of 1,613,946 alleles (30%); highest among the groups gnomAD compares: South Asian, 36%; 75,032 homozygotes.

Submissions (5):

Labcorp Genetics (formerly Invitae), Labcorp
Classification: Benign. Last evaluated: 2026-02-03. Review status: criteria provided, single submitter. Criteria: Invitae Variant Classification Sherloc (09022015). Collection method: clinical testing. Allele origin: germline.

Mayo Clinic Laboratories, Mayo Clinic
Classification: Benign. Last evaluated: 2022-11-10. Review status: criteria provided, single submitter. Criteria: ACMG Guidelines, 2015. Collection method: clinical testing. Allele origin: germline. Observed: 66 variant alleles.

GeneDx
Classification: Benign. Last evaluated: 2018-11-10. Review status: criteria provided, single submitter. Criteria: GeneDx Variant Classification Process June 2021. Collection method: clinical testing. Allele origin: germline. Affected: yes.

Breakthrough Genomics
Classification: Benign. Review status: criteria provided, single submitter. Criteria: ACMG Guidelines, 2015. Collection method: not provided. Allele origin: germline. Inheritance: Autosomal recessive inheritance. Affected: yes.

Pneumogenomics Laboratory, Instituto Nacional de Enfermedades Respiratorias Ismael Cosio Villegas
Classification: Likely risk allele for Associated with severe COVID-19 disease. Last evaluated: 2023-07-01. Review status: no assertion criteria provided. Collection method: research. Allele origin: germline. Affected: yes. Not counted in ClinVar's aggregate classification.
Comment: The allele G is a risk for non-surviving in patients with severe COVID-19